The following is an entry in ClinVar:

ClinVar aggregate classification (germline): Uncertain significance (1 of 4 stars; one submission).

gnomAD v4.1: 1 of 1,613,988 alleles (0.000062%); highest among the groups gnomAD compares: Non-Finnish European, 0.000085%; no homozygotes.

Submission:

Women's Health and Genetics/Laboratory Corporation of America, LabCorp
Classification: Uncertain significance. Last evaluated: 2025-02-04. Review status: criteria provided, single submitter. Criteria: LabCorp Variant Classification Summary - May 2015. Collection method: clinical testing. Allele origin: germline.
Comment: Variant summary: GABBR2 c.1121A>G (p.Glu374Gly) results in a non-conservative amino acid change located in the Receptor, ligand binding region (IPR001828) of the encoded protein sequence. Three of five in-silico tools predict a benign effect of the variant on protein function. The variant was absent in 251488 control chromosomes. The available data on variant occurrences in the general population are insufficient to allow any conclusion about variant significance. To our knowledge, no occurrence of c.1121A>G in individuals affected with Early Infantile Epileptic Encephalopathy 59 and no experimental evidence demonstrating its impact on protein function have been reported. No submitters have cited clinical-significance assessments for this variant to ClinVar. Based on the evidence outlined above, the variant was classified as uncertain significance.

NM_005458.8(GABBR2):c.1121A>G (p.Glu374Gly)

Gene: GABBR2 (gamma-aminobutyric acid type B receptor subunit 2; minus strand). Cytogenetic location: 9q22.33.
Variant type: single nucleotide variant.
Coding change: c.1121A>G on transcript NM_005458.8 (MANE Select); coding-DNA position 1121, A replaced by G.
Protein change: p.Glu374Gly; replaces glutamic acid 374 with glycine.
Molecular consequence: missense variant.
Genome position (GRCh38, 1-based): chr9:98,454,096, T>C on the plus strand (A>G on the coding strand, the complement: GABBR2 is on the minus strand). VCF-style: chr9-98454096-T-C. GRCh37 (hg19) VCF-style: chr9-101216378-T-C.
Other names: short protein forms E374G.
Identifiers: ClinVar variation 3768785 (VCV003768785.1).